The following is an entry in ClinVar:

ClinVar aggregate classification (germline): Uncertain significance (1 of 4 stars; one submission).

Allele frequency attached by ClinVar (database versions not stated): gnomAD exomes below 0.00001.

Submission:

Labcorp Genetics (formerly Invitae), Labcorp
Classification: Uncertain significance. Last evaluated: 2021-07-24. Review status: criteria provided, single submitter. Criteria: Invitae Variant Classification Sherloc (09022015). Collection method: clinical testing. Allele origin: germline.
Comment: In summary, the available evidence is currently insufficient to determine the role of this variant in disease. Therefore, it has been classified as a Variant of Uncertain Significance. Algorithms developed to predict the effect of missense changes on protein structure and function (SIFT, PolyPhen-2, Align-GVGD) all suggest that this variant is likely to be tolerated. This variant has not been reported in the literature in individuals affected with NRL-related conditions. This variant is not present in population databases (ExAC no frequency). This sequence change replaces methionine with isoleucine at codon 140 of the NRL protein (p.Met140Ile). The methionine residue is highly conserved and there is a small physicochemical difference between methionine and isoleucine.

NM_001354768.3(NRL):c.420G>A (p.Met140Ile)

Gene: NRL (neural retina leucine zipper; minus strand). Cytogenetic location: 14q11.2.
Variant type: single nucleotide variant.
Coding change: c.420G>A on transcript NM_001354768.3 (MANE Select); coding-DNA position 420, G replaced by A.
Protein change: p.Met140Ile; replaces methionine 140 with isoleucine.
Molecular consequence: missense variant.
Genome position (GRCh38, 1-based): chr14:24,081,530, C>T on the plus strand (G>A on the coding strand, the complement: NRL is on the minus strand). VCF-style: chr14-24081530-C-T. GRCh37 (hg19) VCF-style: chr14-24550739-C-T.
Other names: c.420G>A, p.Met140Ile (NM_001354769.1, NM_006177.5); c.105G>A, p.Met35Ile (NM_001354770.2); short protein forms M140I, M35I.
Identifiers: ClinVar variation 1492711 (VCV001492711.8), dbSNP rs2138870497, ClinGen allele CA389278867.